The following is an entry in ClinVar:

ClinVar aggregate classification (germline): Uncertain significance (1 of 4 stars; one submission).

Conditions:
Hypertrophic cardiomyopathy. Also called: HYPERTROPHIC MYOCARDIOPATHY. Identifiers: Orphanet 217569, MedGen C0007194, MeSH D002312, MONDO:0005045, HP:0001639.

Submission:

Labcorp Genetics (formerly Invitae), Labcorp
Classification: Uncertain significance for Hypertrophic cardiomyopathy. Last evaluated: 2026-01-31. Review status: criteria provided, single submitter. Criteria: Invitae Variant Classification Sherloc (09022015). Collection method: clinical testing. Allele origin: germline.
Comment: This sequence change creates a premature translational stop signal (p.Gln1358*) in the MYH7 gene. It is expected to result in an absent or disrupted protein product. However, the current clinical and genetic evidence is not sufficient to establish whether loss-of-function variants in MYH7 cause disease. This variant is not present in population databases (gnomAD no frequency). This variant has not been reported in the literature in individuals affected with MYH7-related conditions. In summary, the available evidence is currently insufficient to determine the role of this variant in disease. Therefore, it has been classified as a Variant of Uncertain Significance.

NM_000257.4(MYH7):c.4072C>T (p.Gln1358Ter)

Gene: MYH7 (myosin heavy chain 7; minus strand). Cytogenetic location: 14q11.2.
Variant type: single nucleotide variant.
Coding change: c.4072C>T on transcript NM_000257.4 (MANE Select); coding-DNA position 4072, C replaced by T.
Protein change: p.Gln1358Ter; replaces glutamine 1358 with a stop codon.
Molecular consequence: nonsense.
Genome position (GRCh38, 1-based): chr14:23,418,307, G>A on the plus strand (C>T on the coding strand, the complement: MYH7 is on the minus strand). VCF-style: chr14-23418307-G-A. GRCh37 (hg19) VCF-style: chr14-23887516-G-A.
Other names: c.4072C>T, p.Gln1358Ter (NM_001407004.1); short protein forms Q1358*.
Identifiers: ClinVar variation 4741435 (VCV004741435.1).
Genomic context (GRCh38, chr14:23,418,307, plus strand): 5'-CCGTCTCATACTTGGTCCTCCACTGGGCCACCTCCGAGTTGGCCTTGGAAAGGACGCGCT[G>A]CAGCTCGGCCTTGGCCTCCGTCTCCTCCTCGTACTGCTCCCGCAGCAGGTCGCAGTCATG-3'